The following is an entry in ClinVar:

ClinVar aggregate classification (germline): Uncertain significance (1 of 4 stars; one submission).

Submission:

Labcorp Genetics (formerly Invitae), Labcorp
Classification: Uncertain significance. Last evaluated: 2022-10-11. Review status: criteria provided, single submitter. Criteria: Invitae Variant Classification Sherloc (09022015). Collection method: clinical testing. Allele origin: germline.
Comment: In summary, the available evidence is currently insufficient to determine the role of this variant in disease. Therefore, it has been classified as a Variant of Uncertain Significance. Experimental studies and prediction algorithms are not available or were not evaluated, and the functional significance of this variant is currently unknown. This variant has not been reported in the literature in individuals affected with MAPKAPK3-related conditions. A copy number gain of the genomic region encompassing the full coding sequence of the MAPKAPK3 gene has been identified. The boundaries of this event are unknown as they extend beyond the assayed region for this gene and therefore may encompass additional genes. As the precise location of this event is unknown, it may be in tandem or it may be located elsewhere in the genome.

NC_000003.11:g.(?_50431520)_(50685477_?)dup

Genes: C3orf18 (chromosome 3 open reading frame 18; minus strand), CACNA2D2 (calcium voltage-gated channel auxiliary subunit alpha2delta 2; minus strand), CISH (cytokine inducible SH2 containing protein; minus strand), HEMK1 (HemK methyltransferase family member 1; plus strand), MAPKAPK3 (MAPK activated protein kinase 3; plus strand). Cytogenetic location: 3p21.31-21.2.
Variant type: Duplication.
Identifiers: ClinVar variation 1432141 (VCV001432141.5).